The following is an entry in ClinVar:

NM_000044.6(AR):c.2678C>A (p.Pro893Gln)

Gene: AR (androgen receptor; plus strand). Cytogenetic location: Xq12.
Variant type: single nucleotide variant.
Coding change: c.2678C>A on transcript NM_000044.6 (MANE Select); coding-DNA position 2678, C replaced by A.
Protein change: p.Pro893Gln; replaces proline 893 with glutamine.
Molecular consequence: missense variant.
Genome position (GRCh38, 1-based): chrX:67,723,756, C>A. VCF-style: chrX-67723756-C-A. GRCh37 (hg19) VCF-style: chrX-66943598-C-A.
Other names: c.1082C>A, p.Pro361Gln (NM_001011645.3); short protein forms P361Q, P893Q.
Identifiers: ClinVar variation 647599 (VCV000647599.8), dbSNP rs1602280356, ClinGen allele CA413428310.
Genomic context (GRCh38, chrX:67,723,756, plus strand): 5'-AGCTGCATCAGTTCACTTTTGACCTGCTAATCAAGTCACACATGGTGAGCGTGGACTTTC[C>A]GGAAATGATGGCAGAGATCATCTCTGTGCAAGTGCCCAAGATCCTTTCTGGGAAAGTCAA-3'
Protein context (NP_000035.2, residues 883-903): IKSHMVSVDF[Pro893Gln]EMMAEIISVQ

ClinVar aggregate classification (germline): Uncertain significance (1 of 4 stars; one submission).

Conditions:
Androgen resistance syndrome (AIS). Also called: Androgen insensitivity, complete; Androgen insensitivity syndrome due to coactivator deficiency; Androgen insensitivity syndrome; Androgen insensitivity; ANDROGEN RECEPTOR DEFICIENCY; DIHYDROTESTOSTERONE RECEPTOR DEFICIENCY. Identifiers: Orphanet 754, Orphanet 99429, MedGen C0039585, MONDO:0019154, OMIM 300068. Disease mechanism: loss of function.
Kennedy disease (SMAX1). Also called: Spinal and Bulbar Muscular Atrophy; SPINAL AND BULBAR MUSCULAR ATROPHY, X-LINKED 1; KENNEDY SPINAL AND BULBAR MUSCULAR ATROPHY. Identifiers: Orphanet 481, MedGen C1839259, MONDO:0010735, OMIM 313200.

Submission:

Labcorp Genetics (formerly Invitae), Labcorp
Classification: Uncertain significance for Kennedy disease; Androgen resistance syndrome. Last evaluated: 2018-12-11. Review status: criteria provided, single submitter. Criteria: Invitae Variant Classification Sherloc (09022015). Collection method: clinical testing. Allele origin: germline.
Comment: This sequence change replaces proline with glutamine at codon 893 of the AR protein (p.Pro893Gln). The proline residue is moderately conserved and there is a moderate physicochemical difference between proline and glutamine. In summary, the available evidence is currently insufficient to determine the role of this variant in disease. Therefore, it has been classified as a Variant of Uncertain Significance. This variant disrupts the p.Pro893 amino acid residue in AR. Other variant(s) that disrupt this residue have been observed in affected individuals, suggesting that it is a clinically significant residue (PMID: 25674389, 29785970, 15925895). As a result, variants that disrupt this residue are likely to be causative of disease. Algorithms developed to predict the effect of sequence changes on RNA splicing suggest that this variant may create or strengthen a splice site, but this prediction has not been confirmed by published transcriptional studies. Algorithms developed to predict the effect of missense changes on protein structure and function are either unavailable or do not agree on the potential impact of this missense change (SIFT: "Deleterious"; PolyPhen-2: "Probably Damaging"; Align-GVGD: "Class C0"). This variant has not been reported in the literature in individuals with AR-related disease. This variant is not present in population databases (ExAC no frequency).

Literature cited by the submitters: PubMed 25674389; PubMed 29785970; PubMed 15925895.